The following is an entry in ClinVar:

ClinVar aggregate classification (germline): Uncertain significance (1 of 4 stars; one submission).

Allele frequency attached by ClinVar (database versions not stated): gnomAD 0.00001 and 0.00002; gnomAD exomes 0.00001; TOPMed 0.00002.
gnomAD v4.1: 22 of 1,551,872 alleles (0.0014%); highest among the groups gnomAD compares: Non-Finnish European, 0.0019%; no homozygotes.

Submission:

Labcorp Genetics (formerly Invitae), Labcorp
Classification: Uncertain significance. Last evaluated: 2021-12-02. Review status: criteria provided, single submitter. Criteria: Invitae Variant Classification Sherloc (09022015). Collection method: clinical testing. Allele origin: germline.
Comment: In summary, the available evidence is currently insufficient to determine the role of this variant in disease. Therefore, it has been classified as a Variant of Uncertain Significance. Algorithms developed to predict the effect of missense changes on protein structure and function are either unavailable or do not agree on the potential impact of this missense change (SIFT: "Not Available"; PolyPhen-2: "Probably Damaging"; Align-GVGD: "Not Available"). This variant has not been reported in the literature in individuals affected with UNC80-related conditions. This variant is present in population databases (no rsID available, gnomAD 0.002%). This sequence change replaces tyrosine with histidine at codon 1479 of the UNC80 protein (p.Tyr1479His). The tyrosine residue is moderately conserved and there is a moderate physicochemical difference between tyrosine and histidine.

NM_001371986.1(UNC80):c.4633T>C (p.Tyr1545His)

Gene: UNC80 (unc-80 subunit of NALCN channel complex; plus strand). Cytogenetic location: 2q34.
Variant type: single nucleotide variant.
Coding change: c.4633T>C on transcript NM_001371986.1 (MANE Select); coding-DNA position 4633, T replaced by C.
Protein change: p.Tyr1545His; replaces tyrosine 1545 with histidine.
Molecular consequence: missense variant.
Genome position (GRCh38, 1-based): chr2:209,904,816, T>C. VCF-style: chr2-209904816-T-C. GRCh37 (hg19) VCF-style: chr2-210769540-T-C.
Other names: c.4435T>C, p.Tyr1479His (NM_032504.2); c.4420T>C, p.Tyr1474His (NM_182587.4); short protein forms Y1479H, Y1474H, Y1545H.
Identifiers: ClinVar variation 1395284 (VCV001395284.8), dbSNP rs930778389, ClinGen allele CA65038838.
Genomic context (GRCh38, chr2:209,904,816, plus strand): 5'-GTATTCCAGGTGATGATCTTGCTGTGCAATCAGCAGAGTTTCATCTGCACTCACGTTGAC[T>C]ACTGCCATCCCCACTGCTACCTGCACCACAGCCGCTCCTGTGCCCGACTGGTCAGAGCCA-3'
Protein context (NP_001358915.1, residues 1535-1555): QQSFICTHVD[Tyr1545His]CHPHCYLHHS